The following is an entry in ClinVar:

ClinVar aggregate classification (germline): Uncertain significance. Review status: criteria provided, multiple submitters, no conflicts (2 of 4 stars). 2 submissions from 2 submitters: Uncertain significance (2). Last evaluated 2024-02-06.

Conditions:
Endometrial carcinoma. Also called: Endometrial carcinoma, somatic. Identifiers: MedGen C0476089, MONDO:0002447, OMIM 608089, HP:0012114.
Colorectal cancer. Also called: Colorectal cancer, somatic; Malignant Colorectal Neoplasm. Identifiers: MedGen C0346629, MONDO:0005575, OMIM 114500.
Colorectal cancer, hereditary nonpolyposis, type 7. Identifiers: Orphanet 144, MedGen C1858380, MONDO:0013725, OMIM 614385.

Submissions (2):

Ambry Genetics
Classification: Uncertain significance. Last evaluated: 2024-02-06. Review status: criteria provided, single submitter. Criteria: Ambry Variant Classification Scheme 2023. Collection method: clinical testing. Allele origin: germline.
Comment: The p.K664E variant (also known as c.1990A>G), located in coding exon 1 of the MLH3 gene, results from an A to G substitution at nucleotide position 1990. The lysine at codon 664 is replaced by glutamic acid, an amino acid with similar properties. This amino acid position is conserved. In addition, this alteration is predicted to be tolerated by in silico analysis. Based on the available evidence, the clinical significance of this alteration remains unclear.

Fulgent Genetics
Classification: Uncertain significance for Colorectal cancer; Endometrial carcinoma; Colorectal cancer, hereditary nonpolyposis, type 7. Last evaluated: 2024-01-22. Review status: criteria provided, single submitter. Criteria: ACMG Guidelines, 2015. Collection method: clinical testing. Allele origin: germline.

NM_001040108.2(MLH3):c.1990A>G (p.Lys664Glu)

Gene: MLH3 (mutL homolog 3; minus strand). Cytogenetic location: 14q24.3.
Variant type: single nucleotide variant.
Coding change: c.1990A>G on transcript NM_001040108.2 (MANE Select); coding-DNA position 1990, A replaced by G.
Protein change: p.Lys664Glu; replaces lysine 664 with glutamic acid.
Molecular consequence: missense variant.
Genome position (GRCh38, 1-based): chr14:75,047,666, T>C on the plus strand (A>G on the coding strand, the complement: MLH3 is on the minus strand). VCF-style: chr14-75047666-T-C. GRCh37 (hg19) VCF-style: chr14-75514369-T-C.
Other names: c.1990A>G, p.Lys664Glu (NM_014381.3); short protein forms K664E.
Identifiers: ClinVar variation 3232467 (VCV003232467.2), dbSNP rs2503281270, ClinGen allele CA390443485.
Genomic context (GRCh38, chr14:75,047,666, plus strand): 5'-CTAGCCCATAACTTATATTCGTTCTGCAATTTTTTTTGTTGGGCAATTGACCAGATTCTT[T>C]ACTTAAAGTGCTGGCTAAATCTTTGATGTCTGGAGTTTCAACTGAATGACGTGTTCTATT-3'
Protein context (NP_001035197.1, residues 654-674): DIKDLASTLS[Lys664Glu]ESGQLPNKKN